The following is an entry in ClinVar:

NM_001966.4(EHHADH):c.802_812del (p.Leu268fs)

Gene: EHHADH (enoyl-CoA hydratase and 3-hydroxyacyl CoA dehydrogenase; minus strand). Cytogenetic location: 3q27.2.
Variant type: Deletion.
Coding change: c.802_812del on transcript NM_001966.4 (MANE Select); coding-DNA positions 802 to 812, 11 bases deleted (CTGCAATATGC).
Protein change: p.Leu268fs; shifts the reading frame from leucine 268.
Molecular consequence: frameshift variant.
Genome position (GRCh38, 1-based): chr3:185,204,514-185,204,524, GCATATTGCAG deleted on the plus strand (CTGCAATATGC on the coding strand, the reverse complement: EHHADH is on the minus strand); deleting any 11 consecutive bases within chr3:185,204,514-185,204,525 gives the same sequence; the c. name uses the placement nearest the transcript's 3' end. VCF-style (leftmost placement, unchanged base first): chr3-185204513-AGCATATTGCAG-A. GRCh37 (hg19) VCF-style: chr3-184922301-AGCATATTGCAG-A.
Other names: c.514_524del, p.Leu172fs (NM_001166415.2); short protein forms L172fs, L268fs.
Identifiers: ClinVar variation 4986496 (VCV004986496.1).

ClinVar aggregate classification (germline): Uncertain significance (1 of 4 stars; one submission).

Conditions:
EHHADH-related disorder. Also called: EHHADH-related condition.

Submission:

PreventionGenetics, part of Exact Sciences
Classification: Uncertain significance for EHHADH-related condition. Last evaluated: 2025-12-05. Review status: criteria provided, single submitter. Criteria: ACMG Guidelines, 2015. Collection method: clinical testing. Allele origin: germline.
Comment: The EHHADH c.802_812del11 variant is predicted to result in a frameshift and premature protein termination (p.Leu268Phefs*4). To our knowledge, this variant has not been reported in the literature or in a large population database (gnomAD), indicating this variant is rare. Loss of function variants are not currently a known mechanism of EHHADH related disease. At this time, the clinical significance of this variant is uncertain due to the absence of conclusive functional and genetic evidence.